The following is an entry in ClinVar:

NM_022167.4(XYLT2):c.1923C>T (p.Ser641=)

Gene: XYLT2 (xylosyltransferase 2; plus strand). Cytogenetic location: 17q21.33.
Variant type: single nucleotide variant.
Coding change: c.1923C>T on transcript NM_022167.4 (MANE Select); coding-DNA position 1923, C replaced by T.
Protein change: p.Ser641=; no amino-acid change (serine 641 retained).
Molecular consequence: synonymous variant.
Genome position (GRCh38, 1-based): chr17:50,357,234, C>T. VCF-style: chr17-50357234-C-T. GRCh37 (hg19) VCF-style: chr17-48434595-C-T.
Identifiers: ClinVar variation 1702076 (VCV001702076.11), dbSNP rs778642140, ClinGen allele CA8646598.

ClinVar aggregate classification (germline): Conflicting classifications of pathogenicity. Review status: criteria provided, conflicting classifications (1 of 4 stars). 4 submissions from 4 submitters: Uncertain significance (1); Likely benign (2). 1 of the submissions does not count toward it. Last evaluated 2025-10-01.

Conditions:
XYLT2-related disorder. Also called: XYLT2-related condition.
Osteogenesis imperfecta (OI). Identifiers: Orphanet 666, MedGen C0029434, MeSH D010013, MONDO:0019019.

Allele frequency attached by ClinVar (database versions not stated): gnomAD 0.00012 and 0.00019; TOPMed 0.00015; gnomAD exomes 0.00022 and 0.00025; ExAC 0.00033.
gnomAD v4.1: 389 of 1,599,860 alleles (0.024%); highest among the groups gnomAD compares: South Asian, 0.1%; 3 homozygotes.

Submissions (4):

Labcorp Genetics (formerly Invitae), Labcorp
Classification: Likely benign. Last evaluated: 2025-10-01. Review status: criteria provided, single submitter. Criteria: Invitae Variant Classification Sherloc (09022015). Collection method: clinical testing. Allele origin: germline.

Blueprint Genetics
Classification: Likely benign. Last evaluated: 2024-07-29. Review status: criteria provided, single submitter. Criteria: ACMG Guidelines, 2015. Collection method: clinical testing. Allele origin: germline.

Genome Diagnostics Laboratory, The Hospital for Sick Children
Classification: Uncertain significance for Osteogenesis imperfecta. Last evaluated: 2019-09-01. Review status: criteria provided, single submitter. Criteria: ACMG Guidelines, 2015. Collection method: clinical testing. Allele origin: germline.

PreventionGenetics, part of Exact Sciences
Classification: Likely benign for XYLT2-related condition. Last evaluated: 2021-07-27. Review status: no assertion criteria provided. Collection method: clinical testing. Allele origin: germline. Not counted in ClinVar's aggregate classification.
Comment: This variant is classified as likely benign based on ACMG/AMP sequence variant interpretation guidelines (Richards et al. 2015 PMID: 25741868, with internal and published modifications).